The following is an entry in ClinVar:

NM_001569.4(IRAK1):c.1595C>T (p.Ser532Leu)

Gene: IRAK1 (interleukin 1 receptor associated kinase 1; minus strand). Cytogenetic location: Xq28.
Variant type: single nucleotide variant.
Coding change: c.1595C>T on transcript NM_001569.4 (MANE Select); coding-DNA position 1595, C replaced by T.
Protein change: p.Ser532Leu; replaces serine 532 with leucine.
Molecular consequence: missense variant. On other transcripts: intron variant (2).
Genome position (GRCh38, 1-based): chrX:154,013,378, G>A on the plus strand (C>T on the coding strand, the complement: IRAK1 is on the minus strand). VCF-style: chrX-154013378-G-A. GRCh37 (hg19) VCF-style: chrX-153278829-G-A.
Other names: c.1358C>T, p.Ser453Leu (NM_001025243.2); c.1540-35C>T (NM_001025242.2); c.1618-35C>T (NM_001410701.1); short protein forms S453L, S532L.
Identifiers: ClinVar variation 2688071 (VCV002688071.2), dbSNP rs1059703, ClinGen allele CA10558091.

ClinVar aggregate classification (germline): Benign (1 of 4 stars; one submission).

Allele frequency attached by ClinVar (database versions not stated): 1000 Genomes Project 0.51682; 1000 Genomes Project 30x 0.52341; ExAC 0.68519; TOPMed 0.70658; ESP Exome Variant Server 0.77956.

Submission:

Unidad de Genómica Garrahan, Hospital de Pediatría Garrahan
Classification: Benign. Last evaluated: 2024-01-24. Review status: criteria provided, single submitter. Criteria: ACMG Guidelines, 2015. Collection method: clinical testing. Allele origin: germline. Affected: no. Observed: 58 variant alleles.
Comment: This variant is classified as Benign based on local population frequency. This variant was detected in 61% of patients studied by a panel of primary immunodeficiencies. Number of patients: 58. Only high quality variants are reported.